The following is an entry in ClinVar:

NM_005359.6(SMAD4):c.528A>C (p.Gly176=)

Gene: SMAD4 (SMAD family member 4; plus strand). Cytogenetic location: 18q21.2.
Variant type: single nucleotide variant.
Coding change: c.528A>C on transcript NM_005359.6 (MANE Select); coding-DNA position 528, A replaced by C.
Protein change: p.Gly176=; no amino-acid change (glycine 176 retained).
Molecular consequence: synonymous variant.
Genome position (GRCh38, 1-based): chr18:51,054,854, A>C. VCF-style: chr18-51054854-A-C. GRCh37 (hg19) VCF-style: chr18-48581224-A-C.
Identifiers: ClinVar variation 1171130 (VCV001171130.5), dbSNP rs2144418503, ClinGen allele CA503873704.

ClinVar aggregate classification (germline): Benign/Likely benign. Review status: criteria provided, multiple submitters, no conflicts (2 of 4 stars). 3 submissions from 3 submitters: Benign (1); Likely benign (2). Last evaluated 2025-03-19.

Conditions:
Familial thoracic aortic aneurysm and aortic dissection (TAAD). Also called: Thoracic aortic aneurysms and dissections. Identifiers: Orphanet 91387, MedGen C4707243, MONDO:0019625.
Hereditary cancer-predisposing syndrome. Also called: Tumor predisposition; Hereditary Cancer Syndrome; Neoplastic Syndromes, Hereditary; Hereditary neoplastic syndrome. Identifiers: Orphanet 140162, MedGen C0027672, MeSH D009386, MONDO:0015356.
Juvenile polyposis/hereditary hemorrhagic telangiectasia syndrome (JPHT). Also called: JP/HHT SYNDROME; JUVENILE POLYPOSIS WITH HEREDITARY HEMORRHAGIC TELANGIECTASIA; POLYPOSIS, GENERALIZED JUVENILE, WITH PULMONARY ARTERIOVENOUS MALFORMATION; TELANGIECTASIA, HEREDITARY HEMORRHAGIC, WITH JUVENILE POLYPOSIS COLI; Juvenile Polyposis Syndrome / Hereditary Hemorrhagic Telangiectasia (JPS/HHT). Identifiers: Orphanet 2929, MedGen C1832942, MONDO:0008278, OMIM 175050.

Submissions (3):

Myriad Genetics, Inc.
Classification: Benign for Juvenile polyposis/hereditary hemorrhagic telangiectasia syndrome. Last evaluated: 2025-03-19. Review status: criteria provided, single submitter. Criteria: Myriad Autosomal Dominant, Autosomal Recessive and X-Linked Classification Criteria (2023). Collection method: clinical testing. Allele origin: unknown.
Comment: This variant is considered benign. This variant is a silent/synonymous amino acid change and it is not expected to impact splicing.

Ambry Genetics
Classification: Likely benign for Hereditary cancer-predisposing syndrome; Familial thoracic aortic aneurysm and aortic dissection. Last evaluated: 2021-06-02. Review status: criteria provided, single submitter. Criteria: Ambry Variant Classification Scheme 2023. Collection method: clinical testing. Allele origin: germline.

Color Diagnostics, LLC DBA Color Health
Classification: Likely benign for Hereditary cancer-predisposing syndrome. Last evaluated: 2020-10-12. Review status: criteria provided, single submitter. Criteria: ACMG Guidelines, 2015. Collection method: clinical testing. Allele origin: germline.